The following is an entry in ClinVar:

ClinVar aggregate classification (germline): Uncertain significance (1 of 4 stars; one submission).

Conditions:
Malignant hyperthermia, susceptibility to, 1 (MHS1). Also called: Anesthesia related hyperthermia; Malignant hyperpyrexia; Fulminating hyperpyrexia; Pharmacogenic myopathy; RYR1-Related Malignant Hyperthermia Susceptibility; Malignant hyperthermia suceptibility 1. Identifiers: Orphanet 423, MedGen C2930980, MONDO:0007783, OMIM 145600.

Submission:

All of Us Research Program, National Institutes of Health
Classification: Uncertain significance for Malignant hyperthermia, susceptibility to, 1. Last evaluated: 2024-09-23. Review status: criteria provided, single submitter. Criteria: ACMG Guidelines, 2015. Collection method: clinical testing. Allele origin: germline. Inheritance: Autosomal dominant inheritance. Observed: 1 variant allele, 1 heterozygote.
Comment: This study involves interpretation of variants in research participants for the purpose of population health screening. Participant phenotype was not available at the time of variant classification. Additional details can be found in publication PMID: 35346344, PMCID: PMC8962531

NM_000540.3(RYR1):c.4875G>C (p.Trp1625Cys)

Gene: RYR1 (ryanodine receptor 1; plus strand). Cytogenetic location: 19q13.2.
Variant type: single nucleotide variant.
Coding change: c.4875G>C on transcript NM_000540.3 (MANE Select); coding-DNA position 4875, G replaced by C.
Protein change: p.Trp1625Cys; replaces tryptophan 1625 with cysteine.
Molecular consequence: missense variant.
Genome position (GRCh38, 1-based): chr19:38,483,457, G>C. VCF-style: chr19-38483457-G-C. GRCh37 (hg19) VCF-style: chr19-38974097-G-C.
Other names: c.4875G>C, p.Trp1625Cys (NM_001042723.2); short protein forms W1625C.
Identifiers: ClinVar variation 3387724 (VCV003387724.1).